The following is an entry in ClinVar:

ClinVar aggregate classification (germline): Benign/Likely benign. Review status: criteria provided, multiple submitters, no conflicts (2 of 4 stars). 7 submissions from 7 submitters: Benign (2); Likely benign (5). Last evaluated 2026-02-01.

Conditions:
COL4A1-related disorder. Also called: COL4A1-related disorders; COL4A1-related condition. Identifiers: MedGen CN376119, MONDO:0800461.

Allele frequency attached by ClinVar (database versions not stated): gnomAD exomes 0.00009 and 0.00017; 1000 Genomes Project 30x 0.00016; 1000 Genomes Project 0.00020; ExAC 0.00020; ESP Exome Variant Server 0.00062; gnomAD 0.00075 and 0.00083; TOPMed 0.00083.
gnomAD v4.1: 252 of 1,614,170 alleles (0.016%); highest among the groups gnomAD compares: African/African-American, 0.29%; 3 homozygotes.

Submissions (7):

Labcorp Genetics (formerly Invitae), Labcorp
Classification: Benign. Last evaluated: 2026-02-01. Review status: criteria provided, single submitter. Criteria: Invitae Variant Classification Sherloc (09022015). Collection method: clinical testing. Allele origin: germline.

PreventionGenetics, part of Exact Sciences
Classification: Likely benign for COL4A1-related condition. Last evaluated: 2025-10-22. Review status: criteria provided, single submitter. Criteria: ACMG Guidelines, 2015. Collection method: clinical testing. Allele origin: germline.
Comment: This variant is classified as likely benign based on ACMG/AMP sequence variant interpretation guidelines (Richards et al. 2015 PMID: 25741868, with internal and published modifications).

Mayo Clinic Laboratories, Mayo Clinic
Classification: Likely benign. Last evaluated: 2025-08-05. Review status: criteria provided, single submitter. Criteria: ACMG Guidelines, 2015. Collection method: clinical testing. Allele origin: germline. Observed: 1 variant allele.
Comment: BS1, BP4, BP7

Blueprint Genetics
Classification: Likely benign. Last evaluated: 2024-06-11. Review status: criteria provided, single submitter. Criteria: ACMG Guidelines, 2015. Collection method: clinical testing. Allele origin: germline.

Athena Diagnostics
Classification: Benign. Last evaluated: 2021-01-13. Review status: criteria provided, single submitter. Criteria: Athena Diagnostics criteria. Collection method: clinical testing. Allele origin: unknown.

GeneDx
Classification: Likely benign. Last evaluated: 2020-12-30. Review status: criteria provided, single submitter. Criteria: GeneDx Variant Classification Process June 2021. Collection method: clinical testing. Allele origin: germline. Affected: yes.

Breakthrough Genomics
Classification: Likely benign. Review status: criteria provided, single submitter. Criteria: ACMG Guidelines, 2015. Collection method: not provided. Allele origin: germline. Inheritance: Autosomal dominant inheritance. Affected: yes.

NM_001845.6(COL4A1):c.2502T>G (p.Pro834=)

Gene: COL4A1 (collagen type IV alpha 1 chain; minus strand). Cytogenetic location: 13q34.
Variant type: single nucleotide variant.
Coding change: c.2502T>G on transcript NM_001845.6 (MANE Select); coding-DNA position 2502, T replaced by G.
Protein change: p.Pro834=; no amino-acid change (proline 834 retained).
Molecular consequence: synonymous variant.
Genome position (GRCh38, 1-based): chr13:110,178,188, A>C on the plus strand (T>G on the coding strand, the complement: COL4A1 is on the minus strand). VCF-style: chr13-110178188-A-C. GRCh37 (hg19) VCF-style: chr13-110830535-A-C.
Other names: p.Pro834=.
Identifiers: ClinVar variation 447161 (VCV000447161.16), dbSNP rs147764548, ClinGen allele CA7047569.